The following is an entry in ClinVar:

ClinVar aggregate classification (germline): Pathogenic (1 of 4 stars; one submission).

Conditions:
Autosomal dominant nonsyndromic hearing loss 10. Identifiers: Orphanet 90635, MedGen C1832476, MONDO:0011031, OMIM 601316.

Submission:

Precision Medicine Center, Zhengzhou University
Classification: Pathogenic for Autosomal dominant nonsyndromic hearing loss 10. Last evaluated: 2006-06-30. Review status: criteria provided, single submitter. Criteria: ClinGen HL ACMG Specifications v1. Collection method: clinical testing. Allele origin: unknown. Affected: yes.
Comment: PVS1+PM2:The EYA4 c.1501+2T>C variant affects the canonical splice donor site and is predicted to disrupt normal RNA splicing, resulting in loss of normal protein function (PVS1). The variant is absent or extremely rare in population databases (PM2). According to the ACMG/AMP guidelines, this variant is classified as Pathogenic.

Literature cited by the submitters: PubMed 30192042.

NM_004100.5(EYA4):c.1501+2T>C

Genes: EYA4 (EYA transcriptional coactivator and phosphatase 4; plus strand), TARID (TCF21 antisense RNA inducing promoter demethylation; minus strand). Cytogenetic location: 6q23.2.
Variant type: single nucleotide variant.
Coding change: c.1501+2T>C on transcript NM_004100.5 (MANE Select); the canonical splice donor site of the intron after coding-DNA position 1501, T replaced by C.
Molecular consequence: splice donor variant.
Genome position (GRCh38, 1-based): chr6:133,513,040, T>C. VCF-style: chr6-133513040-T-C. GRCh37 (hg19) VCF-style: chr6-133834178-T-C.
Other names: c.1519+2T>C (NM_001301013.2); c.1501+2T>C (NM_172105.4); c.1432+2T>C (NM_001370458.1, NM_172103.4); c.1357+2T>C (NM_001370459.1); c.1339+2T>C (NM_001301012.2).
Identifiers: ClinVar variation 4857393 (VCV004857393.1).
Genomic context (GRCh38, chr6:133,513,040, plus strand): 5'-GGCTTTTCGTTACAGAAGAGTAAAAGAATTATATAACACCTACAAGAACAACGTTGGAGG[T>C]ATGTGTGGCTTTTTCAATCTAACAAAGGTACTCTGGGTATAGGTAGAATTCAATCTGTAG-3'